The following is an entry in ClinVar:

NM_000070.3(CAPN3):c.1236_1288dup (p.Thr430fs)

Gene: CAPN3 (calpain 3; plus strand). Cytogenetic location: 15q15.1.
Variant type: Duplication.
Coding change: c.1236_1288dup on transcript NM_000070.3 (MANE Select); coding-DNA positions 1236 to 1288, 53 bases duplicated.
Protein change: p.Thr430fs; shifts the reading frame from threonine 430.
Molecular consequence: frameshift variant.
Genome position (GRCh38, 1-based): chr15:42,399,534-42,399,586, 53 bases duplicated. GRCh37 (hg19): chr15:42,691,732-42,691,784.
Other names: c.1236_1288dup, p.Thr430fs (NM_024344.2); c.1092_1144dup, p.Thr382fs (NM_173087.2); c.975_1027dup, p.Thr343Argfs (NM_212464.2); c.*929_*981dup (NM_212467.2); short protein forms T430fs, T382fs.
Identifiers: ClinVar variation 2754164 (VCV002754164.3), dbSNP rs2548273884, ClinGen allele CA2697554387.

ClinVar aggregate classification (germline): Pathogenic (1 of 4 stars; one submission).

Conditions:
Autosomal recessive limb-girdle muscular dystrophy type 2A (LGMDR1). Also called: LEYDEN-MOEBIUS MUSCULAR DYSTROPHY; MUSCULAR DYSTROPHY, PELVOFEMORAL; Muscular dystrophy, limb-girdle, type 2A, Amish; Limb-girdle muscular dystrophy, type 2A; Calpainopathy. Identifiers: Orphanet 267, MedGen C1869123, MONDO:0009675, OMIM 253600. Disease mechanism: loss of function.

Submission:

Labcorp Genetics (formerly Invitae), Labcorp
Classification: Pathogenic for Autosomal recessive limb-girdle muscular dystrophy type 2A. Last evaluated: 2023-08-20. Review status: criteria provided, single submitter. Criteria: Invitae Variant Classification Sherloc (09022015). Collection method: clinical testing. Allele origin: germline.
Comment: This sequence change creates a premature translational stop signal (p.Thr430Argfs*22) in the CAPN3 gene. It is expected to result in an absent or disrupted protein product. Loss-of-function variants in CAPN3 are known to be pathogenic (PMID: 10330340, 15689361). This variant is not present in population databases (gnomAD no frequency). This variant has not been reported in the literature in individuals affected with CAPN3-related conditions. For these reasons, this variant has been classified as Pathogenic.

Literature cited by the submitters: PubMed 10330340; PubMed 15689361.